The following is an entry in ClinVar:

NM_000038.6(APC):c.7489T>A (p.Ser2497Thr)

Gene: APC (APC regulator of Wnt signaling pathway; plus strand). Cytogenetic location: 5q22.2.
Variant type: single nucleotide variant.
Coding change: c.7489T>A on transcript NM_000038.6 (MANE Select); coding-DNA position 7489, T replaced by A.
Protein change: p.Ser2497Thr; replaces serine 2497 with threonine.
Molecular consequence: missense variant.
Genome position (GRCh38, 1-based): chr5:112,843,083, T>A. VCF-style: chr5-112843083-T-A. GRCh37 (hg19) VCF-style: chr5-112178780-T-A.
Other names: c.7489T>A, p.Ser2497Thr (NM_001127510.3, NM_001354895.2, NM_001407450.1); c.7435T>A, p.Ser2479Thr (NM_001127511.3); c.7543T>A, p.Ser2515Thr (NM_001354896.2, NM_001407447.1, NM_001407448.1 and 1 more transcripts); c.7519T>A, p.Ser2507Thr (NM_001354897.2); c.7414T>A, p.Ser2472Thr (NM_001354898.2); c.7405T>A, p.Ser2469Thr (NM_001354899.2); c.7366T>A, p.Ser2456Thr (NM_001354900.2); c.7312T>A, p.Ser2438Thr (NM_001354901.2, NM_001407453.1); and 11 more; short protein forms S2113T, S2337T, S2406T, S2456T, S2479T, S2525T, S2396T, S2414T.
Identifiers: ClinVar variation 1759132 (VCV001759132.5), dbSNP rs2149988175, ClinGen allele CA16037620.

ClinVar aggregate classification (germline): Uncertain significance. Review status: criteria provided, multiple submitters, no conflicts (2 of 4 stars). 2 submissions from 2 submitters: Uncertain significance (2). Last evaluated 2023-08-22.

Conditions:
Hereditary cancer-predisposing syndrome. Also called: Neoplastic Syndromes, Hereditary; Tumor predisposition; Hereditary Cancer Syndrome; Hereditary neoplastic syndrome. Identifiers: Orphanet 140162, MedGen C0027672, MeSH D009386, MONDO:0015356.
Familial adenomatous polyposis 1 (FAP1). Also called: FAMILIAL ADENOMATOUS POLYPOSIS 1, ATTENUATED; POLYPOSIS, ADENOMATOUS INTESTINAL. Identifiers: MedGen C2713442, MONDO:0021056, OMIM 175100. Disease mechanism: loss of function.

Submissions (2):

Labcorp Genetics (formerly Invitae), Labcorp
Classification: Uncertain significance for Familial adenomatous polyposis 1. Last evaluated: 2023-08-22. Review status: criteria provided, single submitter. Criteria: Invitae Variant Classification Sherloc (09022015). Collection method: clinical testing. Allele origin: germline.
Comment: This sequence change replaces serine, which is neutral and polar, with threonine, which is neutral and polar, at codon 2497 of the APC protein (p.Ser2497Thr). This variant is not present in population databases (gnomAD no frequency). This variant has not been reported in the literature in individuals affected with APC-related conditions. ClinVar contains an entry for this variant (Variation ID: 1759132). Advanced modeling of protein sequence and biophysical properties (such as structural, functional, and spatial information, amino acid conservation, physicochemical variation, residue mobility, and thermodynamic stability) performed at Invitae indicates that this missense variant is not expected to disrupt APC protein function. In summary, the available evidence is currently insufficient to determine the role of this variant in disease. Therefore, it has been classified as a Variant of Uncertain Significance.

Ambry Genetics
Classification: Uncertain significance for Hereditary cancer-predisposing syndrome. Last evaluated: 2022-01-04. Review status: criteria provided, single submitter. Criteria: Ambry Variant Classification Scheme 2023. Collection method: clinical testing. Allele origin: germline.
Comment: The p.S2497T variant (also known as c.7489T>A), located in coding exon 15 of the APC gene, results from a T to A substitution at nucleotide position 7489. The serine at codon 2497 is replaced by threonine, an amino acid with similar properties. This amino acid position is conserved. In addition, in silico predictors for this gene do not accurately predict pathogenicity. Since supporting evidence is limited at this time, the clinical significance of this alteration remains unclear.